The following is an entry in ClinVar:

NM_004863.4(SPTLC2):c.73G>C (p.Val25Leu)

Gene: SPTLC2 (serine palmitoyltransferase long chain base subunit 2; minus strand). Cytogenetic location: 14q24.3.
Variant type: single nucleotide variant.
Coding change: c.73G>C on transcript NM_004863.4 (MANE Select); coding-DNA position 73, G replaced by C.
Protein change: p.Val25Leu; replaces valine 25 with leucine.
Molecular consequence: missense variant.
Genome position (GRCh38, 1-based): chr14:77,616,507, C>G on the plus strand (G>C on the coding strand, the complement: SPTLC2 is on the minus strand). VCF-style: chr14-77616507-C-G. GRCh37 (hg19) VCF-style: chr14-78082850-C-G.
Other names: short protein forms V25L.
Identifiers: ClinVar variation 706029 (VCV000706029.11), dbSNP rs1017782894, ClinGen allele CA263862008.

ClinVar aggregate classification (germline): Likely benign. Review status: criteria provided, multiple submitters, no conflicts (2 of 4 stars). 2 submissions from 2 submitters: Likely benign (2). Last evaluated 2026-04-15.

Conditions:
Neuropathy, hereditary sensory and autonomic, type 1C. Also called: HSAN IC; HSN IC. Identifiers: Orphanet 36386, MedGen C3150896, MONDO:0013337, OMIM 613640.
SPTLC2-related disorder. Also called: SPTLC2-related condition.

Allele frequency attached by ClinVar (database versions not stated): gnomAD exomes 0.00002 and 0.00017; gnomAD 0.00003; TOPMed 0.00005; 1000 Genomes Project 30x 0.00016.
gnomAD v4.1: 32 of 1,534,334 alleles (0.0021%); highest among the groups gnomAD compares: East Asian, 0.064%; no homozygotes.

Submissions (2):

PreventionGenetics, part of Exact Sciences
Classification: Likely benign for SPTLC2-related condition. Last evaluated: 2026-04-15. Review status: criteria provided, single submitter. Criteria: ACMG Guidelines, 2015. Collection method: clinical testing. Allele origin: germline.
Comment: This variant is classified as likely benign based on ACMG/AMP sequence variant interpretation guidelines (Richards et al. 2015 PMID: 25741868, with internal and published modifications).

Labcorp Genetics (formerly Invitae), Labcorp
Classification: Likely benign for Neuropathy, hereditary sensory and autonomic, type 1C. Last evaluated: 2025-06-23. Review status: criteria provided, single submitter. Criteria: Invitae Variant Classification Sherloc (09022015). Collection method: clinical testing. Allele origin: germline.